The following is an entry in ClinVar:

ClinVar aggregate classification (germline): Uncertain significance (1 of 4 stars; one submission).

Submission:

Women's Health and Genetics/Laboratory Corporation of America, LabCorp
Classification: Uncertain significance. Last evaluated: 2025-05-12. Review status: criteria provided, single submitter. Criteria: LabCorp Variant Classification Summary - May 2015. Collection method: clinical testing. Allele origin: germline.
Comment: Variant summary: ARSA c.923A>G (p.Tyr308Cys) results in a non-conservative amino acid change in the encoded protein sequence. Algorithms developed to predict the effect of missense changes on protein structure and function all suggest that this variant is likely to be disruptive. The variant was absent in 246392 control chromosomes. The available data on variant occurrences in the general population are insufficient to allow any conclusion about variant significance. To our knowledge, no occurrence of c.923A>G in individuals affected with Metachromatic Leukodystrophy and no experimental evidence demonstrating its impact on protein function have been reported. No submitters have cited clinical-significance assessments for this variant to ClinVar. Based on the evidence outlined above, the variant was classified as uncertain significance.

NM_000487.6(ARSA):c.923A>G (p.Tyr308Cys)

Gene: ARSA (arylsulfatase A; minus strand). Cytogenetic location: 22q13.33.
Variant type: single nucleotide variant.
Coding change: c.923A>G on transcript NM_000487.6 (MANE Select); coding-DNA position 923, A replaced by G.
Protein change: p.Tyr308Cys; replaces tyrosine 308 with cysteine.
Molecular consequence: missense variant.
Genome position (GRCh38, 1-based): chr22:50,626,210, T>C on the plus strand (A>G on the coding strand, the complement: ARSA is on the minus strand). VCF-style: chr22-50626210-T-C. GRCh37 (hg19) VCF-style: chr22-51064638-T-C.
Other names: c.923A>G, p.Tyr308Cys (NM_001085425.3, NM_001085426.3, NM_001085427.3); c.665A>G, p.Tyr222Cys (NM_001085428.3, NM_001362782.2); short protein forms Y222C, Y308C.
Identifiers: ClinVar variation 3902306 (VCV003902306.1).